The following is an entry in ClinVar:

NM_182931.3(KMT2E):c.3368G>C (p.Cys1123Ser)

Gene: KMT2E (lysine methyltransferase 2E (inactive); plus strand). Cytogenetic location: 7q22.3.
Variant type: single nucleotide variant.
Coding change: c.3368G>C on transcript NM_182931.3 (MANE Select); coding-DNA position 3368, G replaced by C.
Protein change: p.Cys1123Ser; replaces cysteine 1123 with serine.
Molecular consequence: missense variant.
Genome position (GRCh38, 1-based): chr7:105,107,825, G>C. VCF-style: chr7-105107825-G-C. GRCh37 (hg19) VCF-style: chr7-104748272-G-C.
Other names: c.3368G>C, p.Cys1123Ser (NM_001410908.1, NM_018682.4); short protein forms C1123S.
Identifiers: ClinVar variation 2092515 (VCV002092515.4), dbSNP rs374830056, ClinGen allele CA4424454.

ClinVar aggregate classification (germline): Uncertain significance (1 of 4 stars; one submission).

Allele frequency attached by ClinVar (database versions not stated): TOPMed 0.00002; gnomAD 0.00001; ESP Exome Variant Server 0.00008.
gnomAD v4.1: 38 of 1,613,960 alleles (0.0024%); highest among the groups gnomAD compares: Non-Finnish European, 0.0032%; no homozygotes.

Submission:

Labcorp Genetics (formerly Invitae), Labcorp
Classification: Uncertain significance. Last evaluated: 2026-01-12. Review status: criteria provided, single submitter. Criteria: Invitae Variant Classification Sherloc (09022015). Collection method: clinical testing. Allele origin: germline.
Comment: This sequence change replaces cysteine, which is neutral and slightly polar, with serine, which is neutral and polar, at codon 1123 of the KMT2E protein (p.Cys1123Ser). This variant is present in population databases (rs374830056, gnomAD 0.004%). This variant has not been reported in the literature in individuals affected with KMT2E-related conditions. ClinVar contains an entry for this variant (Variation ID: 2092515). Invitae Evidence Modeling of protein sequence and biophysical properties (such as structural, functional, and spatial information, amino acid conservation, physicochemical variation, residue mobility, and thermodynamic stability) indicates that this missense variant is not expected to disrupt KMT2E protein function with a negative predictive value of 80%. In summary, the available evidence is currently insufficient to determine the role of this variant in disease. Therefore, it has been classified as a Variant of Uncertain Significance.